The following is an entry in ClinVar:

ClinVar aggregate classification (germline): Uncertain significance (1 of 4 stars; one submission).

Conditions:
Oculodentodigital dysplasia, autosomal recessive. Also called: OCULODENTOOSSEOUS DYSPLASIA, AUTOSOMAL RECESSIVE; ODDD, AUTOSOMAL RECESSIVE; ODOD, AUTOSOMAL RECESSIVE. Identifiers: Orphanet 2710, MedGen C2749477, MONDO:0009768, OMIM 257850.

Submission:

Labcorp Genetics (formerly Invitae), Labcorp
Classification: Uncertain significance for Oculodentodigital dysplasia, autosomal recessive. Last evaluated: 2022-11-15. Review status: criteria provided, single submitter. Criteria: Invitae Variant Classification Sherloc (09022015). Collection method: clinical testing. Allele origin: germline.
Comment: This variant, c.937_945dup, results in the insertion of 3 amino acid(s) of the GJA1 protein (p.Tyr313_Ala315dup), but otherwise preserves the integrity of the reading frame. This variant is not present in population databases (gnomAD no frequency). This variant has not been reported in the literature in individuals affected with GJA1-related conditions. In summary, the available evidence is currently insufficient to determine the role of this variant in disease. Therefore, it has been classified as a Variant of Uncertain Significance.

NM_000165.5(GJA1):c.937_945dup (p.Ala315_Glu316insTyrSerAla)

Gene: GJA1 (gap junction protein alpha 1; plus strand). Cytogenetic location: 6q22.31.
Variant type: Duplication.
Coding change: c.937_945dup on transcript NM_000165.5 (MANE Select); coding-DNA positions 937 to 945, 9 bases duplicated (TACAGTGCA; older notation c.937_945dupTACAGTGCA).
Protein change: p.Ala315_Glu316insTyrSerAla.
Molecular consequence: inframe insertion.
Genome position (GRCh38, 1-based): chr6:121,447,784-121,447,792, TACAGTGCA duplicated. VCF-style (leftmost placement, unchanged base first): chr6-121447783-T-TTACAGTGCA. GRCh37 (hg19) VCF-style: chr6-121768929-T-TTACAGTGCA.
Identifiers: ClinVar variation 2036892 (VCV002036892.4), dbSNP rs2536823032, ClinGen allele CA2580074854.